The following is an entry in ClinVar:

NM_002529.4(NTRK1):c.2056C>T (p.Arg686Cys)

Gene: NTRK1 (neurotrophic receptor tyrosine kinase 1; plus strand). Cytogenetic location: 1q23.1.
Variant type: single nucleotide variant.
Coding change: c.2056C>T on transcript NM_002529.4 (MANE Select); coding-DNA position 2056, C replaced by T.
Protein change: p.Arg686Cys; replaces arginine 686 with cysteine.
Molecular consequence: missense variant.
Genome position (GRCh38, 1-based): chr1:156,880,008, C>T. VCF-style: chr1-156880008-C-T. GRCh37 (hg19) VCF-style: chr1-156849800-C-T.
Other names: c.2056C>T, p.Arg686Cys (NM_001007204.1); c.1948C>T, p.Arg650Cys (NM_001007792.1); c.2038C>T, p.Arg680Cys (NM_001012331.2); short protein forms R680C, R686C, R650C.
Identifiers: ClinVar variation 2906161 (VCV002906161.2), dbSNP rs41358549, ClinGen allele CA1169559.

ClinVar aggregate classification (germline): Uncertain significance (1 of 4 stars; one submission).

Conditions:
Hereditary insensitivity to pain with anhidrosis (CIPA). Also called: NEUROPATHY, CONGENITAL SENSORY, WITH ANHIDROSIS; FAMILIAL DYSAUTONOMIA, TYPE II; NTRK1 Congenital Insensitivity to Pain with Anhidrosis; INSENSITIVITY TO PAIN, CONGENITAL, WITH ANHIDROSIS; HSAN Type IV; hereditary sensory and autonomic neuropathy type 4. Identifiers: Orphanet 642, MedGen C0020074, MONDO:0009746, OMIM 256800.

Allele frequency attached by ClinVar (database versions not stated): ExAC 0.00001.
gnomAD v4.1: 13 of 1,613,120 alleles (0.00081%); highest among the groups gnomAD compares: South Asian, 0.0044%; no homozygotes.

Submission:

Labcorp Genetics (formerly Invitae), Labcorp
Classification: Uncertain significance for Hereditary insensitivity to pain with anhidrosis. Last evaluated: 2023-10-05. Review status: criteria provided, single submitter. Criteria: Invitae Variant Classification Sherloc (09022015). Collection method: clinical testing. Allele origin: germline.
Comment: This sequence change replaces arginine, which is basic and polar, with cysteine, which is neutral and slightly polar, at codon 680 of the NTRK1 protein (p.Arg680Cys). This variant is present in population databases (rs41358549, gnomAD 0.007%). This variant has not been reported in the literature in individuals affected with NTRK1-related conditions. Advanced modeling of protein sequence and biophysical properties (such as structural, functional, and spatial information, amino acid conservation, physicochemical variation, residue mobility, and thermodynamic stability) performed at Invitae indicates that this missense variant is not expected to disrupt NTRK1 protein function. In summary, the available evidence is currently insufficient to determine the role of this variant in disease. Therefore, it has been classified as a Variant of Uncertain Significance.